The following is an entry in ClinVar:

ClinVar aggregate classification (germline): Conflicting classifications of pathogenicity. Review status: criteria provided, conflicting classifications (1 of 4 stars). 2 submissions from 2 submitters: Uncertain significance (1); Likely benign (1). Last evaluated 2025-12-11.

Conditions:
EGFR-related lung cancer (EGFR). Identifiers: MedGen CN130014.
Hereditary cancer-predisposing syndrome. Also called: Tumor predisposition; Neoplastic Syndromes, Hereditary; Hereditary Cancer Syndrome; Hereditary neoplastic syndrome. Identifiers: Orphanet 140162, MedGen C0027672, MeSH D009386, MONDO:0015356.

Allele frequency attached by ClinVar (database versions not stated): gnomAD exomes below 0.00001; TOPMed below 0.00001.
gnomAD v4.1: 2 of 1,614,198 alleles (0.00012%); highest among the groups gnomAD compares: Middle Eastern, 0.016%; no homozygotes.

Submissions (2):

Ambry Genetics
Classification: Uncertain significance for Hereditary cancer-predisposing syndrome. Last evaluated: 2025-12-11. Review status: criteria provided, single submitter. Criteria: Ambry Variant Classification Scheme 2023. Collection method: clinical testing. Allele origin: germline.
Comment: The c.1185G>A variant (also known as p.L395L), located in coding exon 10 of the EGFR gene, results from a G to A substitution at nucleotide position 1185. This nucleotide substitution does not change the at codon 395. However, this change occurs in the base pair of coding exon 10, which makes it likely to have some effect on normal mRNA splicing. This nucleotide position is poorly conserved in available vertebrate species. In silico splice site analysis for this alteration is inconclusive. Based on the available evidence, the clinical significance of this variant remains unclear.

Labcorp Genetics (formerly Invitae), Labcorp
Classification: Likely benign for EGFR-related lung cancer. Last evaluated: 2025-04-10. Review status: criteria provided, single submitter. Criteria: Invitae Variant Classification Sherloc (09022015). Collection method: clinical testing. Allele origin: germline.

NM_005228.5(EGFR):c.1185G>A (p.Leu395=)

Genes: EGFR (epidermal growth factor receptor; plus strand), LOC126860048 (P300/CBP strongly-dependent group 1 enhancer GRCh37_chr7:55223847-55225046; plus strand). Cytogenetic location: 7p11.2.
Variant type: single nucleotide variant.
Coding change: c.1185G>A on transcript NM_005228.5 (MANE Select); coding-DNA position 1185, G replaced by A.
Protein change: p.Leu395=; no amino-acid change (leucine 395 retained).
Molecular consequence: synonymous variant.
Genome position (GRCh38, 1-based): chr7:55,156,810, G>A. VCF-style: chr7-55156810-G-A. GRCh37 (hg19) VCF-style: chr7-55224503-G-A.
Other names: c.1050G>A, p.Leu350= (NM_001346897.2, NM_001346899.2); c.1185G>A, p.Leu395= (NM_001346898.2, NM_201282.2, NM_201283.2 and 1 more transcripts); c.1026G>A, p.Leu342= (NM_001346900.2); c.384G>A, p.Leu128= (NM_001346941.2).
Identifiers: ClinVar variation 1896647 (VCV001896647.6), dbSNP rs1785444329, ClinGen allele CA454968789.
Genomic context (GRCh38, chr7:55,156,810, plus strand): 5'-TTGTTTCAGTGACTCCTTCACACATACTCCTCCTCTGGATCCACAGGAACTGGATATTCT[G>A]AAAACCGTAAAGGAAATCACAGGTTTGAGCTGAATTATCACATGAATATAAATGGGAAAT-3'
Protein context (NP_005219.2, residues 385-405): PPLDPQELDI[Leu395=]KTVKEITGFL